The following is an entry in ClinVar:

NM_000271.5(NPC1):c.2550C>G (p.Ile850Met)

Gene: NPC1 (NPC intracellular cholesterol transporter 1; minus strand). Cytogenetic location: 18q11.2.
Variant type: single nucleotide variant.
Coding change: c.2550C>G on transcript NM_000271.5 (MANE Select); coding-DNA position 2550, C replaced by G.
Protein change: p.Ile850Met; replaces isoleucine 850 with methionine.
Molecular consequence: missense variant.
Genome position (GRCh38, 1-based): chr18:23,540,502, G>C on the plus strand (C>G on the coding strand, the complement: NPC1 is on the minus strand). VCF-style: chr18-23540502-G-C. GRCh37 (hg19) VCF-style: chr18-21120466-G-C.
Other names: short protein forms I850M.
Identifiers: ClinVar variation 2631145 (VCV002631145.1), dbSNP rs542171272, ClinGen allele CA8913055.
Genomic context (GRCh38, chr18:23,540,502, plus strand): 5'-TCTTACATCTGGCATCGAAAGAGACTGATCCAATCCAATATCTACTTTGTTCAGGACTGC[G>C]ATGCTGAATGACAGAACACCCACAAATATTGCTATCTGGAACAACAAATGAATCATAAGA-3'
Protein context (NP_000262.2, residues 840-860): AIFVGVLSFS[Ile850Met]AVLNKVDIGL

ClinVar aggregate classification (germline): Uncertain significance (1 of 4 stars; one submission).

Conditions:
NPC1-related disorder. Also called: NPC1-related condition.

Allele frequency attached by ClinVar (database versions not stated): ExAC 0.00006; 1000 Genomes Project 30x 0.00016; 1000 Genomes Project 0.00020.
gnomAD v4.1: 20 of 1,612,504 alleles (0.0012%); highest among the groups gnomAD compares: South Asian, 0.022%; 2 homozygotes.

Submission:

PreventionGenetics, part of Exact Sciences
Classification: Uncertain significance for NPC1-related condition. Last evaluated: 2023-09-14. Review status: criteria provided, single submitter. Criteria: ACMG Guidelines, 2015. Collection method: clinical testing. Allele origin: germline.
Comment: The NPC1 c.2550C>G variant is predicted to result in the amino acid substitution p.Ile850Met. To our knowledge, this variant has not been reported in the literature. This variant is reported in 0.020% of alleles in individuals of South Asian descent in gnomAD. At this time, the clinical significance of this variant is uncertain due to the absence of conclusive functional and genetic evidence.